The following is an entry in ClinVar:

ClinVar aggregate classification (germline): Likely benign. Review status: reviewed by expert panel (3 of 4 stars). 4 submissions from 4 submitters: Likely benign (1). 3 of the submissions do not count toward it. Last evaluated 2025-03-18.

Conditions:
Creatine transporter deficiency (CCDS1). Also called: Creatine Transporter (CRTR) Deficiency; Mental retardation , X-linked with seizures, short stature and midface hypoplasia; Mental retardation , X-linked, with creatine transport deficiency; X-linked creatine transporter deficiency; X-linked creatine deficiency syndrome; SLC6A8-Related Creatine Transporter Deficiency. Identifiers: Orphanet 52503, MedGen C1845862, MONDO:0010305, OMIM 300352.

Allele frequency attached by ClinVar (database versions not stated): gnomAD exomes 0.00001 and 0.00003; TOPMed 0.00006; gnomAD 0.00007 and 0.00008.
gnomAD v4.1: 43 of 1,201,677 alleles (0.0036%); highest among the groups gnomAD compares: Admixed American, 0.0066%; no homozygotes.

Submissions (4):

ClinGen Cerebral Creatine Deficiency Syndromes Variant Curation Expert Panel, ClinGen
Classification: Likely benign for Creatine transporter deficiency. Last evaluated: 2025-03-18. Review status: reviewed by expert panel. Criteria: ClinGen_CCDS_ACMG_Specifications_SLC6A8_v1.1. Collection method: curation. Allele origin: germline. Inheritance: X-linked inheritance.
Comment: The NM_005629.4:c.1810T>A variant in SLC6A8 is a missense variant predicted to cause the substitution of a leucine by a methionine at amino acid position 604 (p.Leu604Met). To our knowledge, this variant has not been reported in the literature and no functional studies are available. In gnomAD v4.1.0., the highest population minor allele frequency is 0.00006641 (3/45177 alleles, 2 hemizygotes) in the Admixed American population, which is greater than the ClinGen CCDS VCEP’s threshold for PM2_Supporting (<0.00002) but less than the ClinGen CCDS VCEP’s threshold for BS1 (>0.0002), such that neither of these criteria are met. Overall, there are 12 hemizygotes in gnomAD v4.1.0 (10 in the European non-Finnish and 2 in the Admixed American population) (BS2). The computational predictor REVEL gives a score of 0.189 suggesting that the variant has no impact on protein function. SpliceAI predict no impact in splicing (BP4). There is a ClinVar entry for this variant (Variation ID: 583226). In summary, this variant meets criteria to be classified as likely benign for creatine transporter deficiency. SLC6A8-specific ACMG/AMP criteria applied, as specified by the ClinGen CCDS VCEP (Specifications Version 1.1.0): BS2, BP4. (Classification approved by the ClinGen Cerebral Creatine Deficiencies Variant Curation Expert Panel on March 18, 2025)

Labcorp Genetics (formerly Invitae), Labcorp
Classification: Benign for Creatine transporter deficiency. Last evaluated: 2026-01-13. Review status: criteria provided, single submitter. Criteria: Invitae Variant Classification Sherloc (09022015). Collection method: clinical testing. Allele origin: germline. Not counted in ClinVar's aggregate classification.

Greenwood Genetic Center Diagnostic Laboratories, Greenwood Genetic Center
Classification: Uncertain significance. Last evaluated: 2020-11-24. Review status: criteria provided, single submitter. Criteria: ACMG Guidelines, 2015. Collection method: clinical testing. Allele origin: germline. Affected: yes. Not counted in ClinVar's aggregate classification.
Comment: PP2

GeneDx
Classification: Likely benign. Last evaluated: 2018-03-16. Review status: criteria provided, single submitter. Criteria: GeneDx Variant Classification (06012015). Collection method: clinical testing. Allele origin: germline. Affected: yes. Not counted in ClinVar's aggregate classification.
Comment: This variant is considered likely benign or benign based on one or more of the following criteria: it is a conservative change, it occurs at a poorly conserved position in the protein, it is predicted to be benign by multiple in silico algorithms, and/or has population frequency not consistent with disease.

NM_005629.4(SLC6A8):c.1810T>A (p.Leu604Met)

Gene: SLC6A8 (solute carrier family 6 member 8; plus strand). Cytogenetic location: Xq28.
Variant type: single nucleotide variant.
Coding change: c.1810T>A on transcript NM_005629.4 (MANE Select); coding-DNA position 1810, T replaced by A.
Protein change: p.Leu604Met; replaces leucine 604 with methionine.
Molecular consequence: missense variant.
Genome position (GRCh38, 1-based): chrX:153,695,116, T>A. VCF-style: chrX-153695116-T-A. GRCh37 (hg19) VCF-style: chrX-152960571-T-A.
Other names: NM_005629.4(SLC6A8):c.1810T>A; p.Leu604Met; c.1780T>A, p.Leu594Met (NM_001142805.2); c.1465T>A, p.Leu489Met (NM_001142806.1); short protein forms L604M, L594M, L489M.
Identifiers: ClinVar variation 583226 (VCV000583226.16), dbSNP rs1301772452, ClinGen allele CA415091134.